The following is an entry in ClinVar:

ClinVar aggregate classification (germline): Benign/Likely benign. Review status: criteria provided, multiple submitters, no conflicts (2 of 4 stars). 5 submissions from 5 submitters: Benign (3); Likely benign (1). 1 of the submissions does not count toward it. Last evaluated 2026-02-01.

Conditions:
PGM1-congenital disorder of glycosylation. Also called: CDG It; Congenital disorder of glycosylation type 1t; PHOSPHOGLUCOMUTASE 1 DEFICIENCY; PGM1 DEFICIENCY; GLYCOGEN STORAGE DISEASE XIV; GSD XIV. Identifiers: Orphanet 319646, MedGen C2752015, MONDO:0013968, OMIM 614921.

Allele frequency attached by ClinVar (database versions not stated): gnomAD exomes 0.00139 and 0.00366; ExAC 0.00457; gnomAD 0.01431 and 0.01523; TOPMed 0.01594; 1000 Genomes Project 0.01677; ESP Exome Variant Server 0.01776; 1000 Genomes Project 30x 0.01796.
gnomAD v4.1: 4,257 of 1,613,978 alleles (0.26%); highest among the groups gnomAD compares: African/African-American, 5.1%; 105 homozygotes.

Submissions (5):

Labcorp Genetics (formerly Invitae), Labcorp
Classification: Benign for PGM1-congenital disorder of glycosylation. Last evaluated: 2026-02-01. Review status: criteria provided, single submitter. Criteria: Invitae Variant Classification Sherloc (09022015). Collection method: clinical testing. Allele origin: germline.

ARUP Laboratories, Molecular Genetics and Genomics, ARUP Laboratories
Classification: Benign for PGM1-congenital disorder of glycosylation. Last evaluated: 2022-12-19. Review status: criteria provided, single submitter. Criteria: ARUP Molecular Germline Variant Investigation Process 2024. Collection method: clinical testing. Allele origin: germline.

GeneDx
Classification: Benign. Last evaluated: 2016-05-11. Review status: criteria provided, single submitter. Criteria: GeneDx Variant Classification (06012015). Collection method: clinical testing. Allele origin: germline. Affected: yes.
Comment: This variant is considered likely benign or benign based on one or more of the following criteria: it is a conservative change, it occurs at a poorly conserved position in the protein, it is predicted to be benign by multiple in silico algorithms, and/or has population frequency not consistent with disease.

Breakthrough Genomics
Classification: Likely benign. Review status: criteria provided, single submitter. Criteria: ACMG Guidelines, 2015. Collection method: not provided. Allele origin: germline. Inheritance: Autosomal recessive inheritance. Affected: yes.

Mayo Clinic Laboratories, Mayo Clinic
Classification: Benign. Last evaluated: 2017-10-16. Review status: no assertion criteria provided. Collection method: clinical testing. Allele origin: unknown. Not counted in ClinVar's aggregate classification.

NM_002633.3(PGM1):c.1500C>T (p.Ile500=)

Gene: PGM1 (phosphoglucomutase 1; plus strand). Cytogenetic location: 1p31.3.
Variant type: single nucleotide variant.
Coding change: c.1500C>T on transcript NM_002633.3 (MANE Select); coding-DNA position 1500, C replaced by T.
Protein change: p.Ile500=; no amino-acid change (isoleucine 500 retained).
Molecular consequence: synonymous variant.
Genome position (GRCh38, 1-based): chr1:63,654,367, C>T. VCF-style: chr1-63654367-C-T. GRCh37 (hg19) VCF-style: chr1-64120038-C-T.
Other names: c.1554C>T, p.Ile518= (NM_001172818.1); c.909C>T, p.Ile303= (NM_001172819.2).
Identifiers: ClinVar variation 297891 (VCV000297891.19), dbSNP rs61737416, ClinGen allele CA889872.